The following is an entry in ClinVar:

NM_003580.4(NSMAF):c.1126-25_1126-23dup

Gene: NSMAF (neutral sphingomyelinase activation associated factor; minus strand). Cytogenetic location: 8q12.1.
Variant type: Duplication.
Coding change: c.1126-25_1126-23dup on transcript NM_003580.4 (MANE Select); 25 bases into the intron before coding-DNA position 1126 through 23 bases into the intron before coding-DNA position 1126, 3 bases duplicated (TTT; older notation c.1126-25_1126-23dupTTT).
Molecular consequence: intron variant.
Genome position (GRCh38, 1-based): chr8:58,601,547-58,601,549, AAA duplicated on the plus strand (TTT on the coding strand, the reverse complement: NSMAF is on the minus strand); duplicating any 3 consecutive bases within chr8:58,601,547-58,601,560 gives the same sequence; the c. name uses the placement nearest the transcript's 3' end. VCF-style (leftmost placement, unchanged base first): chr8-58601546-G-GAAA. GRCh37 (hg19) VCF-style: chr8-59514105-G-GAAA.
Other names: NM_001144772.1:c.1219-14_1219-12dupTTT; c.1219-25_1219-23dup (NM_001144772.1).
Identifiers: ClinVar variation 403262 (VCV000403262.4), dbSNP rs33942423, ClinGen allele CA4757801.

ClinVar aggregate classification (germline): Benign (1 of 4 stars; one submission).

Submission:

Laboratory for Molecular Medicine, Mass General Brigham Personalized Medicine
Classification: Benign. Last evaluated: 2016-03-28. Review status: criteria provided, single submitter. Criteria: LMM Criteria. Collection method: clinical testing. Allele origin: germline.
Comment: Variant identified in a genome or exome case(s) and assessed due to predicted null impact of the variant or pathogenic assertions in the literature or databases. Disclaimer: This variant has not undergone full assessment. The following are preliminary notes: Frequency